The following is an entry in ClinVar:

NM_019066.5(MAGEL2):c.3046C>T (p.Pro1016Ser)

Gene: MAGEL2 (MAGE family member L2; minus strand). Cytogenetic location: 15q11.2.
Variant type: single nucleotide variant.
Coding change: c.3046C>T on transcript NM_019066.5 (MANE Select); coding-DNA position 3046, C replaced by T.
Protein change: p.Pro1016Ser; replaces proline 1016 with serine.
Molecular consequence: missense variant.
Genome position (GRCh38, 1-based): chr15:23,644,697, G>A on the plus strand (C>T on the coding strand, the complement: MAGEL2 is on the minus strand). VCF-style: chr15-23644697-G-A. GRCh37 (hg19) VCF-style: chr15-23889844-G-A.
Other names: short protein forms P1016S.
Identifiers: ClinVar variation 1923935 (VCV001923935.32), dbSNP rs2233069, ClinGen allele CA7429763.

ClinVar aggregate classification (germline): Benign/Likely benign. Review status: criteria provided, multiple submitters, no conflicts (2 of 4 stars). 6 submissions from 5 submitters: Benign (2); Likely benign (4). Last evaluated 2026-09-01.

Conditions:
Intellectual disability. Also called: Intellectual functioning disability; intellectual disabilities; Intellectual developmental disorder. Identifiers: MedGen C3714756, MeSH D008607, MONDO:0001071, HP:0001249.
Genetic developmental and epileptic encephalopathy. Identifiers: MedGen CN379639, MONDO:0100062.

Allele frequency attached by ClinVar (database versions not stated): ExAC 0.00056; gnomAD exomes 0.00058; 1000 Genomes Project 30x 0.00016; ESP Exome Variant Server 0.00016; 1000 Genomes Project 0.00020; gnomAD 0.00026; TOPMed 0.00028.

Submissions (6):

CeGaT Center for Human Genetics Tuebingen
Classification: Likely benign. Last evaluated: 2026-09-01. Review status: criteria provided, single submitter. Criteria: CeGaT Center For Human Genetics Tuebingen Variant Classification Criteria Version 2. Collection method: clinical testing. Allele origin: germline. Affected: yes. Observed: 3 variant alleles.
Comment: MAGEL2: BP4

Labcorp Genetics (formerly Invitae), Labcorp
Classification: Benign. Last evaluated: 2026-01-27. Review status: criteria provided, single submitter. Criteria: Invitae Variant Classification Sherloc (09022015). Collection method: clinical testing. Allele origin: germline.

Laboratory of Genetics, Children's Clinical University Hospital Latvia
Classification: Benign. Last evaluated: 2025-02-16. Review status: criteria provided, single submitter. Criteria: ACMG Guidelines, 2015. Collection method: clinical testing. Allele origin: germline. Affected: yes.

Blueprint Genetics
Classification: Likely benign. Last evaluated: 2024-09-23. Review status: criteria provided, single submitter. Criteria: ACMG Guidelines, 2015. Collection method: clinical testing. Allele origin: germline.

Cambridge Genomics Laboratory, East Genomic Laboratory Hub, NHS Genomic Medicine Service
Classification: Likely benign for Intellectual disability. Last evaluated: 2019-08-02. Review status: criteria provided, single submitter. Criteria: ACGS Best Practice Guidelines for Variant Classification in Rare Disease 2020. Collection method: clinical testing. Allele origin: germline. Affected: yes. Observed: 1 variant allele.

Cambridge Genomics Laboratory, East Genomic Laboratory Hub, NHS Genomic Medicine Service
Classification: Likely benign for Genetic developmental and epileptic encephalopathy. Last evaluated: 2019-05-02. Review status: criteria provided, single submitter. Criteria: ACGS Best Practice Guidelines for Variant Classification in Rare Disease 2020. Collection method: clinical testing. Allele origin: germline. Affected: yes. Observed: 1 variant allele.